The following is an entry in ClinVar:

NM_007294.4(BRCA1):c.932C>T (p.Pro311Leu)

Gene: BRCA1 (BRCA1 DNA repair associated; minus strand). Cytogenetic location: 17q21.31.
Variant type: single nucleotide variant.
Coding change: c.932C>T on transcript NM_007294.4 (MANE Select); coding-DNA position 932, C replaced by T.
Protein change: p.Pro311Leu; replaces proline 311 with leucine.
Molecular consequence: missense variant. On other transcripts: intron variant (137).
Genome position (GRCh38, 1-based): chr17:43,094,599, G>A on the plus strand (C>T on the coding strand, the complement: BRCA1 is on the minus strand). VCF-style: chr17-43094599-G-A. GRCh37 (hg19) VCF-style: chr17-41246616-G-A.
Other names: c.719C>T, p.Pro240Leu (NM_001407571.1, NM_001407915.1, NM_001407853.1 and 9 more transcripts); c.932C>T, p.Pro311Leu (NM_001407581.1, NM_001407582.1, NM_001407583.1 and 30 more transcripts); c.929C>T, p.Pro310Leu (NM_001407587.1, NM_001407610.1, NM_001407611.1 and 22 more transcripts); c.806C>T, p.Pro269Leu (NM_001407649.1, NM_001407670.1, NM_001407671.1 and 11 more transcripts); c.854C>T, p.Pro285Leu (NM_001407653.1, NM_001407654.1, NM_001407655.1 and 4 more transcripts); c.851C>T, p.Pro284Leu (NM_001407659.1, NM_001407660.1, NM_001407661.1 and 1 more transcripts); c.809C>T, p.Pro270Leu (NM_001407674.1, NM_001407675.1, NM_001407676.1 and 19 more transcripts); c.791C>T, p.Pro264Leu (NM_001407692.1, NM_001407694.1, NM_001407695.1 and 29 more transcripts); and 40 more; short protein forms P311L, P264L, P199L, P223L, P240L, P243L, P269L, P270L.
Identifiers: ClinVar variation 628645 (VCV000628645.24), dbSNP rs1301795658, ClinGen allele CA10600201.

ClinVar aggregate classification (germline): Conflicting classifications of pathogenicity. Review status: criteria provided, conflicting classifications (1 of 4 stars). 6 submissions from 6 submitters: Uncertain significance (4); Likely benign (2). Last evaluated 2026-01-02.

Conditions:
Hereditary breast ovarian cancer syndrome. Also called: Hereditary breast and ovarian cancer syndrome (HBOC); Hereditary breast and ovarian cancer; BRCA1- and BRCA2-Associated Hereditary Breast and Ovarian Cancer; Breast and ovarian cancer; Hereditary breast and ovarian cancer syndrome; Hereditary breast and/or ovarian cancer syndrome. Identifiers: Orphanet 145, MedGen C0677776, MeSH D061325, MONDO:0003582. Disease mechanism: loss of function.
Breast-ovarian cancer, familial, susceptibility to, 1 (BROVCA1). Also called: OVARIAN CANCER, SUSCEPTIBILITY TO; BRCA1 Hereditary Breast and Ovarian Cancer. Identifiers: Orphanet 145, MedGen C2676676, MONDO:0011450, OMIM 604370. Disease mechanism: loss of function.
Hereditary cancer-predisposing syndrome. Also called: Hereditary neoplastic syndrome; Tumor predisposition; Hereditary Cancer Syndrome; Neoplastic Syndromes, Hereditary. Identifiers: Orphanet 140162, MedGen C0027672, MeSH D009386, MONDO:0015356.

Allele frequency attached by ClinVar (database versions not stated): gnomAD exomes below 0.00001; TOPMed below 0.00001.
gnomAD v4.1: 3 of 1,614,098 alleles (0.00019%); highest among the groups gnomAD compares: Admixed American, 0.0033%; no homozygotes.

Submissions (6):

Labcorp Genetics (formerly Invitae), Labcorp
Classification: Likely benign for Hereditary breast ovarian cancer syndrome. Last evaluated: 2026-01-02. Review status: criteria provided, single submitter. Criteria: Invitae Variant Classification Sherloc (09022015). Collection method: clinical testing. Allele origin: germline.

Ambry Genetics
Classification: Uncertain significance for Hereditary cancer-predisposing syndrome. Last evaluated: 2025-07-28. Review status: criteria provided, single submitter. Criteria: Ambry Variant Classification Scheme 2023. Collection method: clinical testing. Allele origin: germline.
Comment: The p.P311L variant (also known as c.932C>T), located in coding exon 9 of the BRCA1 gene, results from a C to T substitution at nucleotide position 932. The proline at codon 311 is replaced by leucine, an amino acid with similar properties. This amino acid position is not well conserved in available vertebrate species. In addition, the in silico prediction for this alteration is inconclusive. Since supporting evidence is limited at this time, the clinical significance of this alteration remains unclear.

Quest Diagnostics Nichols Institute San Juan Capistrano
Classification: Uncertain significance. Last evaluated: 2024-11-29. Review status: criteria provided, single submitter. Criteria: Quest Diagnostics criteria. Collection method: clinical testing. Allele origin: unknown.
Comment: The BRCA1 c.932C>T (p.Pro311Leu) variant has been reported in the published literature in a cohort of individuals with a personal or family history of breast and/or ovarian cancer (PMID: 16267036 (2005)), but in a different study, it was not found in a large cohort of individuals affected with cancer (PMID: 38271184 (2024)). In a multifactorial likelihood analysis, this variant was characterized as likely benign (PMID: 31131967 (2019)). It described to be located in a region of the BRCA1 gene that is tolerant to missense sequence changes (PMID: 31911673 (2020)). The frequency of this variant in the general population, 0.000004 (1/251380 chromosomes (Genome Aggregation Database)), is uninformative in the assessment of its pathogenicity. Analysis of this variant using bioinformatics tools for the prediction of the effect of amino acid changes on protein structure and function yielded conflicting predictions that this variant is benign or damaging. Based on the available information, we are unable to determine the clinical significance of this variant.

All of Us Research Program, National Institutes of Health
Classification: Uncertain significance for Breast-ovarian cancer, familial, susceptibility to, 1. Last evaluated: 2023-03-23. Review status: criteria provided, single submitter. Criteria: ACMG Guidelines, 2015. Collection method: clinical testing. Allele origin: germline. Inheritance: Autosomal dominant inheritance. Observed: 1 variant allele, 1 heterozygote.
Comment: This missense variant replaces proline with leucine at codon 311 of the BRCA1 protein. Computational prediction suggests that this variant may not impact protein structure and function (internally defined REVEL score threshold <= 0.5, PMID: 27666373). To our knowledge, functional studies have not been reported for this variant. A multifactorial analysis has reported likelihood ratios for pathogenicity of 1.0673 and 0.1437 based on co-occurrence and family history, respectively (PMID: 31131967). This variant has been identified in 1/251380 chromosomes in the general population by the Genome Aggregation Database (gnomAD). The available evidence is insufficient to determine the role of this variant in disease conclusively. Therefore, this variant is classified as a Variant of Uncertain Significance.

This study involves interpretation of variants in research participants for the purpose of population health screening. Participant phenotype was not available at the time of variant classification. Additional details can be found in publication PMID: 35346344, PMCID: PMC8962531

University of Washington Department of Laboratory Medicine, University of Washington
Classification: Likely benign for Hereditary cancer-predisposing syndrome. Last evaluated: 2023-03-23. Review status: criteria provided, single submitter. Criteria: Dines et al. (Genet Med. 2020). Collection method: curation. Allele origin: germline.
Comment: Missense variant in a coldspot region where missense variants are very unlikely to be pathogenic (PMID:31911673).

BRCA1 coldspot (exon 11 using historical exon numbering). Reclassification based on statistical prior probability

Color Diagnostics, LLC DBA Color Health
Classification: Uncertain significance for Hereditary cancer-predisposing syndrome. Last evaluated: 2023-02-22. Review status: criteria provided, single submitter. Criteria: ACMG Guidelines, 2015. Collection method: clinical testing. Allele origin: germline.
Comment: This missense variant replaces proline with leucine at codon 311 of the BRCA1 protein. Computational prediction suggests that this variant may not impact protein structure and function (internally defined REVEL score threshold <= 0.5, PMID: 27666373). To our knowledge, functional studies have not been reported for this variant. A multifactorial analysis has reported likelihood ratios for pathogenicity of 1.0673 and 0.1437 based on co-occurrence and family history, respectively (PMID: 31131967). This variant has been identified in 1/251380 chromosomes in the general population by the Genome Aggregation Database (gnomAD). The available evidence is insufficient to determine the role of this variant in disease conclusively. Therefore, this variant is classified as a Variant of Uncertain Significance.

Literature cited by the submitters: PubMed 31911673 (cited by Quest Diagnostics Nichols Institute San Juan Capistrano); PubMed 31112341 (cited by Quest Diagnostics Nichols Institute San Juan Capistrano); PubMed 38271184 (cited by Quest Diagnostics Nichols Institute San Juan Capistrano); PubMed 35979650 (cited by Quest Diagnostics Nichols Institute San Juan Capistrano); PubMed 16267036 (cited by Quest Diagnostics Nichols Institute San Juan Capistrano); PubMed 31131967 (cited by 3 submitters).